The following is an entry in ClinVar:

NM_024407.5(NDUFS7):c.483C>T (p.His161=)

Gene: NDUFS7 (NADH:ubiquinone oxidoreductase core subunit S7; plus strand). Cytogenetic location: 19p13.3.
Variant type: single nucleotide variant.
Coding change: c.483C>T on transcript NM_024407.5 (MANE Select); coding-DNA position 483, C replaced by T.
Protein change: p.His161=; no amino-acid change (histidine 161 retained).
Molecular consequence: synonymous variant.
Genome position (GRCh38, 1-based): chr19:1,393,269, C>T. VCF-style: chr19-1393269-C-T. GRCh37 (hg19) VCF-style: chr19-1393268-C-T.
Other names: c.483C>T, p.His161= (NM_001363602.2).
Identifiers: ClinVar variation 382408 (VCV000382408.1), dbSNP rs1057521348, ClinGen allele CA16607755.

ClinVar aggregate classification (germline): Likely benign (1 of 4 stars; one submission).

Allele frequency attached by ClinVar (database versions not stated): gnomAD 0.00001.

Submission:

GeneDx
Classification: Likely benign. Last evaluated: 2016-02-10. Review status: criteria provided, single submitter. Criteria: GeneDx Variant Classification (06012015). Collection method: clinical testing. Allele origin: germline. Affected: yes.
Comment: This variant is considered likely benign or benign based on one or more of the following criteria: it is a conservative change, it occurs at a poorly conserved position in the protein, it is predicted to be benign by multiple in silico algorithms, and/or has population frequency not consistent with disease.